The following is an entry in ClinVar:

NM_024422.6(DSC2):c.16C>T (p.Pro6Ser)

Genes: DSC2 (desmocollin 2; minus strand), DSCAS (DSC1/DSC2 antisense RNA; plus strand). Cytogenetic location: 18q12.1.
Variant type: single nucleotide variant.
Coding change: c.16C>T on transcript NM_024422.6 (MANE Select); coding-DNA position 16, C replaced by T.
Protein change: p.Pro6Ser; replaces proline 6 with serine.
Molecular consequence: missense variant.
Genome position (GRCh38, 1-based): chr18:31,101,956, G>A on the plus strand (C>T on the coding strand, the complement: DSC2 is on the minus strand). VCF-style: chr18-31101956-G-A. GRCh37 (hg19) VCF-style: chr18-28681919-G-A.
Other names: c.16C>T, p.Pro6Ser (NM_004949.5); short protein forms P6S.
Identifiers: ClinVar variation 2900185 (VCV002900185.3), dbSNP rs2510964062, ClinGen allele CA402115304.
Genomic context (GRCh38, chr18:31,101,956, plus strand): 5'-CACTCACCGCGAGGGTCAGCAGGAGCAGCCGGCAGAGGGCTCCGTTCCAGGAGCCGGAGG[G>A]GCGGGCTGCCTCCATGGAGAGGGCTCGGGGCAGGTCGCGGGCCGAGCGTCGGGCCGGGGT-3'
Protein context (NP_077740.1, residues 1-16): MEAAR[Pro6Ser]SGSWNGALCR

ClinVar aggregate classification (germline): Uncertain significance (1 of 4 stars; one submission).

Conditions:
Arrhythmogenic right ventricular dysplasia 11. Also called: ARRHYTHMOGENIC RIGHT VENTRICULAR DYSPLASIA, FAMILIAL, 11; Arrhythmogenic Right Ventricular Dysplasia/Cardiomyopathy11; Arrhythmogenic right ventricular dysplasia 11 with mild palmoplantar keratoderma and woolly hair. Identifiers: MedGen C1864850, MONDO:0012506, OMIM 610476.

Allele frequency attached by ClinVar (database versions not stated): gnomAD exomes 0.00001.
gnomAD v4.1: 9 of 1,526,766 alleles (0.00059%); highest among the groups gnomAD compares: Non-Finnish European, 0.0007%; no homozygotes.

Submission:

Labcorp Genetics (formerly Invitae), Labcorp
Classification: Uncertain significance for Arrhythmogenic right ventricular dysplasia 11. Last evaluated: 2023-09-27. Review status: criteria provided, single submitter. Criteria: Invitae Variant Classification Sherloc (09022015). Collection method: clinical testing. Allele origin: germline.
Comment: In summary, the available evidence is currently insufficient to determine the role of this variant in disease. Therefore, it has been classified as a Variant of Uncertain Significance. Algorithms developed to predict the effect of missense changes on protein structure and function output the following: SIFT: "Not Available"; PolyPhen-2: "Benign"; Align-GVGD: "Not Available". The serine amino acid residue is found in multiple mammalian species, which suggests that this missense change does not adversely affect protein function. This variant has not been reported in the literature in individuals affected with DSC2-related conditions. This variant is not present in population databases (gnomAD no frequency). This sequence change replaces proline, which is neutral and non-polar, with serine, which is neutral and polar, at codon 6 of the DSC2 protein (p.Pro6Ser).